The following is an entry in ClinVar:

NM_000520.6(HEXA):c.1252G>T (p.Ala418Ser)

Gene: HEXA (hexosaminidase subunit alpha; minus strand). Cytogenetic location: 15q23.
Variant type: single nucleotide variant.
Coding change: c.1252G>T on transcript NM_000520.6 (MANE Select); coding-DNA position 1252, G replaced by T.
Protein change: p.Ala418Ser; replaces alanine 418 with serine.
Molecular consequence: missense variant.
Genome position (GRCh38, 1-based): chr15:72,346,605, C>A on the plus strand (G>T on the coding strand, the complement: HEXA is on the minus strand). VCF-style: chr15-72346605-C-A. GRCh37 (hg19) VCF-style: chr15-72638946-C-A.
Other names: c.1285G>T, p.Ala429Ser (NM_001318825.2); short protein forms A418S, A429S.
Identifiers: ClinVar variation 1907101 (VCV001907101.2), dbSNP rs1224276108, ClinGen allele CA393060813.
Genomic context (GRCh38, chr15:72,346,605, plus strand): 5'-CCACTATGTAGAAATCCTTCCAGTCAGGGCCATAGGATATACGGTTCAGGTACCAGGGGG[C>A]AGAGAGAAGGGCCCGGAAGCCGGCCTTGGTGACCAGTTCCAGCTCCTTCATATAGTTCAC-3'
Protein context (NP_000511.2, residues 408-428): TKAGFRALLS[Ala418Ser]PWYLNRISYG

ClinVar aggregate classification (germline): Uncertain significance (1 of 4 stars; one submission).

Conditions:
Tay-Sachs disease (TSD). Also called: Hexosaminidase A Deficiency; HEXA DEFICIENCY; HEXA Disorders; GM2 gangliosidosis, type 1; Hexosaminidase alpha-subunit deficiency (variant B); Sphingolipidosis, Tay-Sachs. Identifiers: Orphanet 845, MedGen C0039373, MONDO:0010100, OMIM 272800.

Allele frequency attached by ClinVar (database versions not stated): TOPMed below 0.00001; gnomAD exomes 0.00001.
gnomAD v4.1: 5 of 1,614,070 alleles (0.00031%); highest among the groups gnomAD compares: Admixed American, 0.005%; no homozygotes.

Submission:

Labcorp Genetics (formerly Invitae), Labcorp
Classification: Uncertain significance for Tay-Sachs disease. Last evaluated: 2022-05-16. Review status: criteria provided, single submitter. Criteria: Invitae Variant Classification Sherloc (09022015). Collection method: clinical testing. Allele origin: germline.
Comment: This sequence change replaces alanine, which is neutral and non-polar, with serine, which is neutral and polar, at codon 418 of the HEXA protein (p.Ala418Ser). This variant is present in population databases (no rsID available, gnomAD 0.009%). This variant has not been reported in the literature in individuals affected with HEXA-related conditions. Algorithms developed to predict the effect of missense changes on protein structure and function are either unavailable or do not agree on the potential impact of this missense change (SIFT: "Tolerated"; PolyPhen-2: "Possibly Damaging"; Align-GVGD: "Class C0"). In summary, the available evidence is currently insufficient to determine the role of this variant in disease. Therefore, it has been classified as a Variant of Uncertain Significance.